The following is an entry in ClinVar:

NM_006734.4(HIVEP2):c.2740C>T (p.Pro914Ser)

Gene: HIVEP2 (HIVEP zinc finger 2; minus strand). Cytogenetic location: 6q24.2.
Variant type: single nucleotide variant.
Coding change: c.2740C>T on transcript NM_006734.4 (MANE Select); coding-DNA position 2740, C replaced by T.
Protein change: p.Pro914Ser; replaces proline 914 with serine.
Molecular consequence: missense variant.
Genome position (GRCh38, 1-based): chr6:142,771,999, G>A on the plus strand (C>T on the coding strand, the complement: HIVEP2 is on the minus strand). VCF-style: chr6-142771999-G-A. GRCh37 (hg19) VCF-style: chr6-143093136-G-A.
Other names: short protein forms P914S.
Identifiers: ClinVar variation 3731376 (VCV003731376.1).

ClinVar aggregate classification (germline): Uncertain significance (1 of 4 stars; one submission).

Conditions:
Intellectual developmental disorder, autosomal dominant 43. Also called: Intellectual disability, autosomal dominant 43. Identifiers: MedGen C4707429, MONDO:0014858, OMIM 616977.

gnomAD v4.1: 2 of 1,614,216 alleles (0.00012%); highest among the groups gnomAD compares: South Asian, 0.0011%; no homozygotes.

Submission:

Neuberg Centre For Genomic Medicine, NCGM
Classification: Uncertain significance for Intellectual developmental disorder, autosomal dominant 43. Last evaluated: 2023-06-22. Review status: criteria provided, single submitter. Criteria: ACMG Guidelines, 2015. Collection method: clinical testing. Allele origin: germline. Inheritance: Autosomal dominant inheritance. Affected: yes.
Comment: The missense c.2740C>T(p.Pro914Ser) variant in HIVEP2 gene has not been rpeorted previously as a pathogenic variant nor as a benign variant, to our knowledge. The p.Pro914Ser variant is absent in gnomAD Exomes. This variant has not been submitted to the ClinVar database. Multiple lines of computational evidences (Polyphen - Probably damaging, SIFT - Tolerated and MutationTaster - Disease causing) predict conflicting evidence on protein structure and function for this variant. The reference amino acid at this position on HIVEP2 gene is predicted as conserved by GERP++ and PhyloP across 100 vertebrates. The amino acid Pro at position 914 is changed to a Ser changing protein sequence and it might alter its composition and physico-chemical properties. For these reasons, this variant has been classified as a Variant of Uncertain Significance (VUS).